The following is an entry in ClinVar:

NM_152641.4(ARID2):c.580G>C (p.Glu194Gln)

Gene: ARID2 (AT-rich interaction domain 2; plus strand). Cytogenetic location: 12q12.
Variant type: single nucleotide variant.
Coding change: c.580G>C on transcript NM_152641.4 (MANE Select); coding-DNA position 580, G replaced by C.
Protein change: p.Glu194Gln; replaces glutamic acid 194 with glutamine.
Molecular consequence: missense variant.
Genome position (GRCh38, 1-based): chr12:45,817,831, G>C. VCF-style: chr12-45817831-G-C. GRCh37 (hg19) VCF-style: chr12-46211614-G-C.
Other names: c.580G>C, p.Glu194Gln (NM_001347839.2); short protein forms E194Q.
Identifiers: ClinVar variation 3373039 (VCV003373039.1).

ClinVar aggregate classification (germline): Uncertain significance (1 of 4 stars; one submission).

Submission:

GeneDx
Classification: Uncertain significance. Last evaluated: 2024-04-24. Review status: criteria provided, single submitter. Criteria: GeneDx Variant Classification Process June 2021. Collection method: clinical testing. Allele origin: germline. Affected: yes.
Comment: Not observed at significant frequency in large population cohorts (gnomAD); In silico analysis indicates that this missense variant does not alter protein structure/function; Has not been previously published as pathogenic or benign to our knowledge